The following is an entry in ClinVar:

NM_002772.3(TMPRSS15):c.809A>G (p.Asp270Gly)

Gene: TMPRSS15 (transmembrane serine protease 15; minus strand). Cytogenetic location: 21q21.1.
Variant type: single nucleotide variant.
Coding change: c.809A>G on transcript NM_002772.3 (MANE Select); coding-DNA position 809, A replaced by G.
Protein change: p.Asp270Gly; replaces aspartic acid 270 with glycine.
Molecular consequence: missense variant.
Genome position (GRCh38, 1-based): chr21:18,359,828, T>C on the plus strand (A>G on the coding strand, the complement: TMPRSS15 is on the minus strand). VCF-style: chr21-18359828-T-C. GRCh37 (hg19) VCF-style: chr21-19732145-T-C.
Other names: short protein forms D270G.
Identifiers: ClinVar variation 2421857 (VCV002421857.6), dbSNP rs1291367377, ClinGen allele CA409852051.
Genomic context (GRCh38, chr21:18,359,828, plus strand): 5'-TTGCTTGATCCTACACCTTCATAAATATCTAATATATCTGTATAATATGTATTAAAATCA[T>C]CGAAGCTCAGTTTAATGGAAAGTCCTTGGTTTACACTAAATTAAAAGCAAAAAATAGATT-3'
Protein context (NP_002763.3, residues 260-280): NQGLSIKLSF[Asp270Gly]DFNTYYTDIL

ClinVar aggregate classification (germline): Uncertain significance (1 of 4 stars; one submission).

Allele frequency attached by ClinVar (database versions not stated): gnomAD 0.00003; gnomAD exomes 0.00003; TOPMed 0.00004.

Submission:

Labcorp Genetics (formerly Invitae), Labcorp
Classification: Uncertain significance. Last evaluated: 2022-05-21. Review status: criteria provided, single submitter. Criteria: Invitae Variant Classification Sherloc (09022015). Collection method: clinical testing. Allele origin: germline.
Comment: This sequence change replaces aspartic acid, which is acidic and polar, with glycine, which is neutral and non-polar, at codon 270 of the TMPRSS15 protein (p.Asp270Gly). This variant is present in population databases (no rsID available, gnomAD 0.007%). This variant has not been reported in the literature in individuals affected with TMPRSS15-related conditions. Algorithms developed to predict the effect of missense changes on protein structure and function output the following: SIFT: "Not Available"; PolyPhen-2: "Benign"; Align-GVGD: "Not Available". The glycine amino acid residue is found in multiple mammalian species, which suggests that this missense change does not adversely affect protein function. In summary, the available evidence is currently insufficient to determine the role of this variant in disease. Therefore, it has been classified as a Variant of Uncertain Significance.